The following is an entry in ClinVar:

NM_000180.4(GUCY2D):c.721+5G>T

Gene: GUCY2D (guanylate cyclase 2D, retinal; plus strand). Cytogenetic location: 17p13.1.
Variant type: single nucleotide variant.
Coding change: c.721+5G>T on transcript NM_000180.4 (MANE Select); 5 bases into the intron after coding-DNA position 721, G replaced by T.
Molecular consequence: intron variant.
Genome position (GRCh38, 1-based): chr17:8,003,773, G>T. VCF-style: chr17-8003773-G-T. GRCh37 (hg19) VCF-style: chr17-7907091-G-T.
Identifiers: ClinVar variation 1523339 (VCV001523339.6), dbSNP rs1389913804, ClinGen allele CA2573154500.
Genomic context (GRCh38, chr17:8,003,773, plus strand): 5'-CCTGTCTGGAGCCCGGGAGGCCCTGAGGAAGGTTCGGGACGGGCCCAGGGTCACAGGTAG[G>T]CTCCCTTGCAGGGTGCGAGGAGGTCGGCTGGTCCTGCCGGCAGCCGGACGGCGCCGCGAG-3'

ClinVar aggregate classification (germline): Uncertain significance. Review status: criteria provided, multiple submitters, no conflicts (2 of 4 stars). 2 submissions from 2 submitters: Uncertain significance (2). Last evaluated 2026-02-12.

Conditions:
Cone-rod dystrophy 6 (CORD6). Also called: RETINAL CONE DYSTROPHY 2; Cone dystrophy progressive. Identifiers: Orphanet 1872, MedGen C1866293, MONDO:0011143, OMIM 601777.
Leber congenital amaurosis 1 (LCA1). Also called: AMAUROSIS CONGENITA OF LEBER I; RETINAL BLINDNESS, CONGENITAL; Congenital absence of the rods and cones; Leber's congenital tapetoretinal degeneration; Leber's congenital tapetoretinal dysplasia. Identifiers: Orphanet 65, MedGen C2931258, MONDO:0008764, OMIM 204000.

gnomAD v4.1: 9 of 1,600,238 alleles (0.00056%); highest among the groups gnomAD compares: African/African-American, 0.0027%; no homozygotes.

Submissions (2):

Women's Health and Genetics/Laboratory Corporation of America, LabCorp
Classification: Uncertain significance. Last evaluated: 2026-02-12. Review status: criteria provided, single submitter. Criteria: LabCorp Variant Classification Summary - May 2015. Collection method: clinical testing. Allele origin: germline.
Comment: Variant summary: GUCY2D c.721+5G>T alters a conserved nucleotide located close to a canonical splice site and therefore could affect mRNA splicing, leading to a significantly altered protein sequence. Several computational tools predict a significant impact on normal splicing: Three predict the variant weakens a canonical 5' donor site. However, these predictions have yet to be confirmed by functional studies. The variant was absent in 228496 control chromosomes. c.721+5G>T has been observed in individual(s) affected with Leber congenital amaurosis (example: Bouzia_2020, and Preising_2007). These data indicate that the variant may be associated with disease. To our knowledge, no experimental evidence demonstrating an impact on protein function has been reported. The following publications have been ascertained in the context of this evaluation (PMID: 31704230, 17525851). ClinVar contains an entry for this variant (Variation ID: 1523339). Based on the evidence outlined above, the variant was classified as VUS-possibly pathogenic.

Labcorp Genetics (formerly Invitae), Labcorp
Classification: Uncertain significance for Leber congenital amaurosis 1; Cone-rod dystrophy 6. Last evaluated: 2022-07-19. Review status: criteria provided, single submitter. Criteria: Invitae Variant Classification Sherloc (09022015). Collection method: clinical testing. Allele origin: germline.
Comment: This sequence change falls in intron 2 of the GUCY2D gene. It does not directly change the encoded amino acid sequence of the GUCY2D protein. It affects a nucleotide within the consensus splice site. This variant is not present in population databases (gnomAD no frequency). This variant has been observed in individual(s) with Leber congenital amaurosis (PMID: 17525851). ClinVar contains an entry for this variant (Variation ID: 1523339). Variants that disrupt the consensus splice site are a relatively common cause of aberrant splicing (PMID: 17576681, 9536098). Algorithms developed to predict the effect of sequence changes on RNA splicing suggest that this variant may disrupt the consensus splice site. In summary, the available evidence is currently insufficient to determine the role of this variant in disease. Therefore, it has been classified as a Variant of Uncertain Significance.

Literature cited by the submitters: PubMed 31704230 (cited by Women's Health and Genetics/Laboratory Corporation of America, LabCorp); PubMed 17525851 (cited by Women's Health and Genetics/Laboratory Corporation of America, LabCorp and Labcorp Genetics (formerly Invitae), Labcorp); PubMed 17576681 (cited by Labcorp Genetics (formerly Invitae), Labcorp); PubMed 9536098 (cited by Labcorp Genetics (formerly Invitae), Labcorp).